The following is an entry in ClinVar:

NM_017950.4(CCDC40):c.2832+462_2832+463insCAC

Gene: CCDC40 (coiled-coil domain 40 molecular ruler complex subunit; plus strand). Cytogenetic location: 17q25.3.
Variant type: Insertion.
Coding change: c.2832+462_2832+463insCAC on transcript NM_017950.4 (MANE Select); bases 462 to 463 of the intron after coding-DNA position 2832, CAC inserted.
Molecular consequence: intron variant. On other transcripts: inframe insertion (1).
Genome position: GRCh38 VCF-style: chr17-80090346-A-ACAC. GRCh37 (hg19) VCF-style: chr17-78064145-A-ACAC.
Other names: c.3040_3041insCAC, p.Thr1013dup (NM_001243342.2).
Identifiers: ClinVar variation 218550 (VCV000218550.14), dbSNP rs10693712, ClinGen allele CA248926.
Genomic context (GRCh38, chr17:80,090,346, plus strand): 5'-GGGACGCGCGCAGGCACGTGCACGAACAACACGGGACGCGCGCAGGCACGTGCACGAACA[A>ACAC]GGGACGCGCGCAGGCACGTGCACGAACACAGGACACACACAGCACGTGCATGAACAACAC-3'

ClinVar aggregate classification (germline): Benign/Likely benign. Review status: criteria provided, multiple submitters, no conflicts (2 of 4 stars). 6 submissions from 6 submitters: Benign (3); Likely benign (1). 2 of the submissions do not count toward it. Last evaluated 2024-11-28.

Allele frequency attached by ClinVar (database versions not stated): ExAC 0.22667; 1000 Genomes Project 0.65475.

Submissions (6):

Blueprint Genetics
Classification: Likely benign. Last evaluated: 2024-11-28. Review status: criteria provided, single submitter. Criteria: ACMG Guidelines, 2015. Collection method: clinical testing. Allele origin: germline.

GeneDx
Classification: Benign. Last evaluated: 2019-11-14. Review status: criteria provided, single submitter. Criteria: GeneDx Variant Classification Process June 2021. Collection method: clinical testing. Allele origin: germline. Affected: yes.

Laboratory for Molecular Medicine, Mass General Brigham Personalized Medicine
Classification: Benign. Last evaluated: 2016-03-28. Review status: criteria provided, single submitter. Criteria: LMM Criteria. Collection method: clinical testing. Allele origin: germline.
Comment: Variant identified in a genome or exome case(s) and assessed due to predicted null impact of the variant or pathogenic assertions in the literature or databases. Disclaimer: This variant has not undergone full assessment. The following are preliminary notes: Frequency

Genomic Diagnostic Laboratory, Division of Genomic Diagnostics, Children's Hospital of Philadelphia
Classification: Benign. Last evaluated: 2015-02-05. Review status: criteria provided, single submitter. Criteria: DGD Variant Analysis Guidelines. Collection method: clinical testing. Allele origin: unknown.

Diagnostic Laboratory, Department of Genetics, University Medical Center Groningen
Classification: Benign. Review status: no assertion criteria provided. Collection method: clinical testing. Allele origin: germline. Affected: yes. Study: VKGL Data-share Consensus. Not counted in ClinVar's aggregate classification.

Laboratory of Diagnostic Genome Analysis, Leiden University Medical Center (LUMC)
Classification: Benign. Review status: no assertion criteria provided. Collection method: clinical testing. Allele origin: germline. Affected: yes. Study: VKGL Data-share Consensus. Not counted in ClinVar's aggregate classification.